The following is an entry in ClinVar:

ClinVar aggregate classification (germline): Conflicting classifications of pathogenicity. Review status: criteria provided, conflicting classifications (1 of 4 stars). 15 submissions from 15 submitters: Pathogenic (5); Likely pathogenic (2); Uncertain significance (1). 7 of the submissions do not count toward it. Last evaluated 2025-04-23.

Conditions:
Achromatopsia 6. Also called: RETINAL CONE DYSTROPHY 3A; CONE DYSTROPHY WITH NIGHT BLINDNESS AND SUPERNORMAL ROD RESPONSES, PDE6H-RELATED. Identifiers: Orphanet 49382, MedGen C1864900, MONDO:0012398, OMIM 610024.
PDE6H-related disorder. Also called: PDE6H-related disorders.
Retinal dystrophy. Also called: Inherited retinal dystrophy. Identifiers: Orphanet 71862, MedGen C0854723, MeSH D058499, MONDO:0019118, HP:0000556.

Allele frequency attached by ClinVar (database versions not stated): gnomAD exomes 0.00006 and 0.00008; TOPMed 0.00006; ExAC 0.00007; gnomAD 0.00012.
gnomAD v4.1: 103 of 1,613,658 alleles (0.0064%); highest among the groups gnomAD compares: South Asian, 0.0077%; no homozygotes.

Submissions (15):

Labcorp Genetics (formerly Invitae), Labcorp
Classification: Pathogenic. Last evaluated: 2025-04-23. Review status: criteria provided, single submitter. Criteria: Invitae Variant Classification Sherloc (09022015). Collection method: clinical testing. Allele origin: germline.
Comment: This sequence change creates a premature translational stop signal (p.Ser12*) in the PDE6H gene. It is expected to result in an absent or disrupted protein product. Loss-of-function variants in PDE6H are known to be pathogenic (PMID: 22901948, 27472364). This variant is present in population databases (rs200311463, gnomAD 0.02%). This premature translational stop signal has been observed in individuals with achromatopsia (PMID: 22901948, 27472364). It has also been observed to segregate with disease in related individuals. ClinVar contains an entry for this variant (Variation ID: 37245). For these reasons, this variant has been classified as Pathogenic.

Blueprint Genetics
Classification: Pathogenic for PDE6H-related disorders. Last evaluated: 2024-11-13. Review status: criteria provided, single submitter. Criteria: ACMG Guidelines, 2015. Collection method: clinical testing. Allele origin: germline. Affected: yes. Observed: 5 variant alleles.

GeneDx
Classification: Uncertain significance. Last evaluated: 2024-11-04. Review status: criteria provided, single submitter. Criteria: GeneDx Variant Classification Process June 2021. Collection method: clinical testing. Allele origin: germline. Affected: yes.
Comment: Nonsense variant predicted to result in protein truncation or nonsense mediated decay in a gene for which loss-of-function is not a known mechanism of disease; This variant is associated with the following publications: (PMID: 27479814, 31589614, 22901948, 27472364, 34315337, 31429209, 33767618, 38348755, 35567543, 34321860, 31964843)

Ophthalmic Genetics Group, Institute of Molecular and Clinical Ophthalmology Basel
Classification: Pathogenic for Retinal dystrophy. Last evaluated: 2024-05-27. Review status: criteria provided, single submitter. Criteria: ACMG Guidelines, 2015. Collection method: research. Allele origin: germline. Affected: yes. Observed: 1 variant allele.
Comment: This variant was classified as Pathogenic based on ACMG criteria: PVS1_very strong, PM2_mod and PM3_very strong

Institute of Human Genetics, Heidelberg University
Classification: Likely pathogenic for Achromatopsia 6. Last evaluated: 2022-05-23. Review status: criteria provided, single submitter. Criteria: ACMG Guidelines, 2015. Collection method: clinical testing. Allele origin: germline. Affected: yes.

CeGaT Center for Human Genetics Tuebingen
Classification: Pathogenic. Last evaluated: 2020-11-01. Review status: criteria provided, single submitter. Criteria: CeGaT Center For Human Genetics Tuebingen Variant Classification Criteria Version 2. Collection method: clinical testing. Allele origin: germline. Affected: yes. Observed: 2 variant alleles.

Institute of Human Genetics, Univ. Regensburg, Univ. Regensburg
Classification: Pathogenic for Retinal dystrophy. Last evaluated: 2019-01-01. Review status: criteria provided, single submitter. Criteria: ACMG Guidelines, 2015. Collection method: clinical testing. Allele origin: germline. Affected: yes.

Illumina Laboratory Services, Illumina
Classification: Likely pathogenic for PDE6H-Related Disorders. Last evaluated: 2018-08-23. Review status: criteria provided, single submitter. Criteria: ICSL Variant Classification Criteria 09 May 2019. Collection method: clinical testing. Allele origin: germline.
Comment: The PDE6H c.35C>G (p.Ser12Ter) variant is a stop-gained variant that is predicted to result in a premature termination of the protein. The p.Ser12Ter variant has been reported in two studies and is found in a homozygous state in five probands from three families including two sibling pairs (Kohl et al. 2012; Pedurupillay et al. 2016). Three of the probands are diagnosed with incomplete achromatopsia and two with cone dystrophy. The unaffected parents of the siblings were confirmed heterozygotes for the p.Ser12Ter variant. The p.Ser12Ter variant was absent from 180 control subjects and is reported at a frequency of 0.000166 in the European (non-Finnish) population of the Genome Aggregation Database. Based on the potential impact of stop-gained variants and evidence from the literature, the p.Ser12Ter variant is classified as likely pathogenic for PDE6H-related disorders. This variant was observed by ICSL as part of a predisposition screen in an ostensibly healthy population.

Department of Medical Genetics, Oslo University Hospital
Classification: Pathogenic for Achromatopsia 6. Last evaluated: 2015-10-27. Review status: no assertion criteria provided. Collection method: research. Allele origin: germline. Inheritance: Autosomal recessive inheritance. Affected: yes. Observed: 1 homozygote. Segregation with disease observed. Not counted in ClinVar's aggregate classification.

OMIM
Classification: Pathogenic for ACHROMATOPSIA 6. Last evaluated: 2012-09-07. Review status: no assertion criteria provided. Collection method: literature only. Allele origin: germline. Not counted in ClinVar's aggregate classification.

Clinical Genetics DNA and cytogenetics Diagnostics Lab, Erasmus MC, Erasmus Medical Center
Classification: Pathogenic. Review status: no assertion criteria provided. Collection method: clinical testing. Allele origin: germline. Affected: yes. Study: VKGL Data-share Consensus. Not counted in ClinVar's aggregate classification.

Comprehensive Medical Genetic Center, Shiraz University of Medical Sciences
Classification: Pathogenic for Achromatopsia 6. Review status: no assertion criteria provided. Collection method: clinical testing. Allele origin: inherited. Affected: yes. Not counted in ClinVar's aggregate classification.

GeneReviews
No classification provided. Condition: Achromatopsia 6. Review status: no classification provided. Collection method: literature only. Allele origin: germline. Not counted in ClinVar's aggregate classification.

Joint Genome Diagnostic Labs from Nijmegen and Maastricht, Radboudumc and MUMC+
Classification: Pathogenic. Review status: no assertion criteria provided. Collection method: clinical testing. Allele origin: germline. Affected: yes. Study: VKGL Data-share Consensus. Not counted in ClinVar's aggregate classification.

Centre for Mendelian Genomics, University Medical Centre Ljubljana
Classification: Uncertain significance for Achromatopsia 6. Last evaluated: 2019-12-04. Review status: flagged submission. Criteria: ACMG Guidelines, 2015. Collection method: clinical testing. Allele origin: unknown. Affected: yes. Not counted in ClinVar's aggregate classification.
Comment: This variant was classified as: Uncertain significance. The available evidence favors the pathogenic nature of this variant, however the currently available data is insufficient to conclusively support its pathogenic nature. Thus this variant is classified as Uncertain significance - favor pathogenic. The following ACMG criteria were applied in classifying this variant: PP3,PP5.
ClinVar note: Reason: Outlier claim with insufficient supporting evidence

Literature cited by the submitters: PubMed 22901948 (cited by 6 submitters); PubMed 27472364 (cited by 6 submitters); PubMed 40180963 (cited by Ophthalmic Genetics Group, Institute of Molecular and Clinical Ophthalmology Basel); PubMed 27479814 (cited by Institute of Human Genetics, Univ. Regensburg, Univ. Regensburg); PubMed 31589614 (cited by Institute of Human Genetics, Univ. Regensburg, Univ. Regensburg); PubMed 31964843 (cited by Institute of Human Genetics, Univ. Regensburg, Univ. Regensburg); PubMed 31429209 (cited by Institute of Human Genetics, Univ. Regensburg, Univ. Regensburg); PubMed 34315337 (cited by Institute of Human Genetics, Univ. Regensburg, Univ. Regensburg); PubMed 35567543 (cited by Institute of Human Genetics, Univ. Regensburg, Univ. Regensburg); PubMed 36980963 (cited by OMIM).

NM_006205.3(PDE6H):c.35C>G (p.Ser12Ter)

Gene: PDE6H (phosphodiesterase 6H; plus strand). Cytogenetic location: 12p12.3.
Variant type: single nucleotide variant.
Coding change: c.35C>G on transcript NM_006205.3 (MANE Select); coding-DNA position 35, C replaced by G.
Protein change: p.Ser12Ter; replaces serine 12 with a stop codon.
Molecular consequence: nonsense.
Genome position (GRCh38, 1-based): chr12:14,978,047, C>G. VCF-style: chr12-14978047-C-G. GRCh37 (hg19) VCF-style: chr12-15130981-C-G.
Other names: NP_006196.1:p.(Ser12Ter); short protein forms S12*.
Identifiers: ClinVar variation 37245 (VCV000037245.68), dbSNP rs200311463, ClinGen allele CA130125.